The following is an entry in ClinVar:

NM_002691.4(POLD1):c.1840C>T (p.His614Tyr)

Gene: POLD1 (DNA polymerase delta 1, catalytic subunit; plus strand). Cytogenetic location: 19q13.33.
Variant type: single nucleotide variant.
Coding change: c.1840C>T on transcript NM_002691.4 (MANE Select); coding-DNA position 1840, C replaced by T.
Protein change: p.His614Tyr; replaces histidine 614 with tyrosine.
Molecular consequence: missense variant. On other transcripts: non-coding transcript variant (1).
Genome position (GRCh38, 1-based): chr19:50,408,849, C>T. VCF-style: chr19-50408849-C-T. GRCh37 (hg19) VCF-style: chr19-50912106-C-T.
Other names: c.1840C>T, p.His614Tyr (NM_001256849.1); c.1918C>T, p.His640Tyr (NM_001308632.1); short protein forms H614Y, H640Y.
Identifiers: ClinVar variation 951165 (VCV000951165.14), dbSNP rs144277999, ClinGen allele CA9596292.

ClinVar aggregate classification (germline): Uncertain significance. Review status: criteria provided, multiple submitters, no conflicts (2 of 4 stars). 3 submissions from 3 submitters: Uncertain significance (3). Last evaluated 2025-01-23.

Conditions:
POLD1-related polyposis and colorectal cancer syndrome (CRCS10). Also called: Colorectal cancer 10; COLORECTAL CANCER, SUSCEPTIBILITY TO, ON CHROMOSOME 19q; Colorectal cancer, susceptibility to, 10. Identifiers: Orphanet 220460, MedGen C2675481, MONDO:0012953, OMIM 612591.
Immunodeficiency 120. Identifiers: MedGen C5935622, MONDO:0970994, OMIM 620836.
Mandibular hypoplasia-deafness-progeroid syndrome. Also called: Mandibular hypoplasia, deafness, progeroid features, and lipodystrophy syndrome. Identifiers: Orphanet 363649, MedGen C3715192, MONDO:0014157, OMIM 615381.
Hereditary cancer-predisposing syndrome. Also called: Hereditary neoplastic syndrome; Tumor predisposition; Neoplastic Syndromes, Hereditary; Hereditary Cancer Syndrome. Identifiers: Orphanet 140162, MedGen C0027672, MeSH D009386, MONDO:0015356.

Allele frequency attached by ClinVar (database versions not stated): TOPMed below 0.00001; gnomAD exomes 0.00001; ExAC 0.00002; ESP Exome Variant Server 0.00008.

Submissions (3):

Ambry Genetics
Classification: Uncertain significance for Hereditary cancer-predisposing syndrome. Last evaluated: 2025-01-23. Review status: criteria provided, single submitter. Criteria: Ambry Variant Classification Scheme 2023. Collection method: clinical testing. Allele origin: germline.
Comment: The p.H614Y variant (also known as c.1840C>T), located in coding exon 14 of the POLD1 gene, results from a C to T substitution at nucleotide position 1840. The histidine at codon 614 is replaced by tyrosine, an amino acid with similar properties. This amino acid position is conserved. In addition, the in silico prediction for this alteration is inconclusive. Based on the available evidence, the clinical significance of this variant remains unclear.

Labcorp Genetics (formerly Invitae), Labcorp
Classification: Uncertain significance for POLD1-related polyposis and colorectal cancer syndrome. Last evaluated: 2025-01-19. Review status: criteria provided, single submitter. Criteria: Invitae Variant Classification Sherloc (09022015). Collection method: clinical testing. Allele origin: germline.
Comment: This sequence change replaces histidine, which is basic and polar, with tyrosine, which is neutral and polar, at codon 614 of the POLD1 protein (p.His614Tyr). This variant is present in population databases (rs144277999, gnomAD 0.007%). This variant has not been reported in the literature in individuals affected with POLD1-related conditions. ClinVar contains an entry for this variant (Variation ID: 951165). Invitae Evidence Modeling of protein sequence and biophysical properties (such as structural, functional, and spatial information, amino acid conservation, physicochemical variation, residue mobility, and thermodynamic stability) indicates that this missense variant is not expected to disrupt POLD1 protein function with a negative predictive value of 80%. In summary, the available evidence is currently insufficient to determine the role of this variant in disease. Therefore, it has been classified as a Variant of Uncertain Significance.

Fulgent Genetics
Classification: Uncertain significance for POLD1-related polyposis and colorectal cancer syndrome; Mandibular hypoplasia-deafness-progeroid syndrome; Immunodeficiency 120. Last evaluated: 2024-04-21. Review status: criteria provided, single submitter. Criteria: ACMG Guidelines, 2015. Collection method: clinical testing. Allele origin: germline.